The following is an entry in ClinVar:

ClinVar aggregate classification (germline): Conflicting classifications of pathogenicity. Review status: criteria provided, conflicting classifications (1 of 4 stars). 2 submissions from 2 submitters: Likely pathogenic (1); Uncertain significance (1). Last evaluated 2026-04-01.

Conditions:
Primary ciliary dyskinesia. Also called: Ciliary dyskinesia. Identifiers: Orphanet 244, MedGen C0008780, MONDO:0016575, HP:0012265.
Bardet-Biedl syndrome 10 (BBS10). Identifiers: Orphanet 110, MedGen C1859568, MONDO:0014438, OMIM 615987.

Submissions (2):

Department of Human Genetics, Hannover Medical School
Classification: Uncertain significance for Primary Ciliary Dyskinesia. Last evaluated: 2026-04-01. Review status: criteria provided, single submitter. Criteria: ACMG Guidelines, 2015. Collection method: research. Allele origin: germline. Affected: no.
Comment: Classification performed by HerediClassify using the following criteria:['PM2_supporting: Variant occures does not occur as homozygous in gnomAD.', 'PVS1_protein_strong: Transcript ENST00000650064 is not predicted to undergo NMD. Protein length change of 0.5352697095435685 observed.']

Fulgent Genetics
Classification: Likely pathogenic for Bardet-Biedl syndrome 10. Last evaluated: 2024-01-06. Review status: criteria provided, single submitter. Criteria: ACMG Guidelines, 2015. Collection method: clinical testing. Allele origin: germline.

NM_024685.4(BBS10):c.1009G>T (p.Glu337Ter)

Gene: BBS10 (Bardet-Biedl syndrome 10; minus strand). Cytogenetic location: 12q21.2.
Variant type: single nucleotide variant.
Coding change: c.1009G>T on transcript NM_024685.4 (MANE Select); coding-DNA position 1009, G replaced by T.
Protein change: p.Glu337Ter; replaces glutamic acid 337 with a stop codon.
Molecular consequence: nonsense.
Genome position (GRCh38, 1-based): chr12:76,346,976, C>A on the plus strand (G>T on the coding strand, the complement: BBS10 is on the minus strand). VCF-style: chr12-76346976-C-A. GRCh37 (hg19) VCF-style: chr12-76740756-C-A.
Other names: short protein forms E337*.
Identifiers: ClinVar variation 3575293 (VCV003575293.2).
Genomic context (GRCh38, chr12:76,346,976, plus strand): 5'-AGGCCTGTGGTGGTACAAATGGAGAAAGACCAATGATCCTCCGGATAAGAGAAACTTCTT[C>A]TGATGATAAACACTCAACCACTGATATGCCATTCACCCCTGCATAATAACTAACTAAATC-3'